The following is an entry in ClinVar:

NM_001080467.3(MYO5B):c.887T>A (p.Ile296Asn)

Gene: MYO5B (myosin VB; minus strand). Cytogenetic location: 18q21.1.
Variant type: single nucleotide variant.
Coding change: c.887T>A on transcript NM_001080467.3 (MANE Select); coding-DNA position 887, T replaced by A.
Protein change: p.Ile296Asn; replaces isoleucine 296 with asparagine.
Molecular consequence: missense variant.
Genome position (GRCh38, 1-based): chr18:49,984,777, A>T on the plus strand (T>A on the coding strand, the complement: MYO5B is on the minus strand). VCF-style: chr18-49984777-A-T. GRCh37 (hg19) VCF-style: chr18-47511147-A-T.
Other names: short protein forms I296N.
Identifiers: ClinVar variation 1716378 (VCV001716378.5), dbSNP rs1237306047, ClinGen allele CA402436560.
Genomic context (GRCh38, chr18:49,984,777, plus strand): 5'-CCGAGGAGTGTGAAGGCTTGTCGAGTCTTCTCAAAGTCCTCAGCATCGTCCACACCCTCG[A>T]TGGAAGTGTCTCCTCCCTGTGATGTATAGAAAAAGTCCTCTGCACTTGCTGTGGGAGGCG-3'
Protein context (NP_001073936.1, residues 286-306): FYTSQGGDTS[Ile296Asn]EGVDDAEDFE

ClinVar aggregate classification (germline): Uncertain significance (1 of 4 stars; one submission).

Allele frequency attached by ClinVar (database versions not stated): gnomAD exomes below 0.00001; gnomAD 0.00001.
gnomAD v4.1: 2 of 1,613,872 alleles (0.00012%); highest among the groups gnomAD compares: Non-Finnish European, 0.00017%; no homozygotes.

Submission:

Labcorp Genetics (formerly Invitae), Labcorp
Classification: Uncertain significance. Last evaluated: 2022-08-13. Review status: criteria provided, single submitter. Criteria: Invitae Variant Classification Sherloc (09022015). Collection method: clinical testing. Allele origin: germline.
Comment: In summary, the available evidence is currently insufficient to determine the role of this variant in disease. Therefore, it has been classified as a Variant of Uncertain Significance. Algorithms developed to predict the effect of missense changes on protein structure and function are either unavailable or do not agree on the potential impact of this missense change (SIFT: "Deleterious"; PolyPhen-2: "Probably Damaging"; Align-GVGD: "Class C0"). This variant has not been reported in the literature in individuals affected with MYO5B-related conditions. This variant is present in population databases (no rsID available, gnomAD 0.007%). This sequence change replaces isoleucine, which is neutral and non-polar, with asparagine, which is neutral and polar, at codon 296 of the MYO5B protein (p.Ile296Asn).